The following is an entry in ClinVar:

ClinVar aggregate classification (germline): Likely benign (1 of 4 stars; one submission).

Allele frequency attached by ClinVar (database versions not stated): gnomAD 0.00001; TOPMed 0.00002.
gnomAD v4.1: 31 of 1,613,196 alleles (0.0019%); highest among the groups gnomAD compares: Admixed American, 0.005%; no homozygotes.

Submission:

CeGaT Center for Human Genetics Tuebingen
Classification: Likely benign. Last evaluated: 2023-12-01. Review status: criteria provided, single submitter. Criteria: CeGaT Center For Human Genetics Tuebingen Variant Classification Criteria Version 2. Collection method: clinical testing. Allele origin: germline. Affected: yes. Observed: 1 variant allele.
Comment: CUX2: BP4

NM_015267.4(CUX2):c.905C>T (p.Ala302Val)

Gene: CUX2 (cut like homeobox 2; plus strand). Cytogenetic location: 12q24.12.
Variant type: single nucleotide variant.
Coding change: c.905C>T on transcript NM_015267.4 (MANE Select); coding-DNA position 905, C replaced by T.
Protein change: p.Ala302Val; replaces alanine 302 with valine.
Molecular consequence: missense variant.
Genome position (GRCh38, 1-based): chr12:111,306,967, C>T. VCF-style: chr12-111306967-C-T. GRCh37 (hg19) VCF-style: chr12-111744771-C-T.
Other names: c.719C>T, p.Ala240Val (NM_001370598.1); short protein forms A240V, A302V.
Identifiers: ClinVar variation 3025086 (VCV003025086.22), dbSNP rs994997171, ClinGen allele CA243566847.